The following is an entry in ClinVar:

NM_006270.5(RRAS):c.11G>C (p.Gly4Ala)

Gene: RRAS (RAS related; minus strand). Cytogenetic location: 19q13.33.
Variant type: single nucleotide variant.
Coding change: c.11G>C on transcript NM_006270.5 (MANE Select); coding-DNA position 11, G replaced by C.
Protein change: p.Gly4Ala; replaces glycine 4 with alanine.
Molecular consequence: missense variant.
Genome position (GRCh38, 1-based): chr19:49,640,088, C>G on the plus strand (G>C on the coding strand, the complement: RRAS is on the minus strand). VCF-style: chr19-49640088-C-G. GRCh37 (hg19) VCF-style: chr19-50143345-C-G.
Other names: c.11G>C (NM_006270.3); short protein forms G4A.
Identifiers: ClinVar variation 841889 (VCV000841889.10), dbSNP rs1201865280, ClinGen allele CA406850209.

ClinVar aggregate classification (germline): Uncertain significance. Review status: criteria provided, multiple submitters, no conflicts (2 of 4 stars). 2 submissions from 2 submitters: Uncertain significance (2). Last evaluated 2025-02-10.

Conditions:
Noonan syndrome (NS). Also called: Noonan's syndrome. Identifiers: Orphanet 648, MedGen C0028326, MeSH D009634, MONDO:0018997. Disease mechanism: gain of function.

Allele frequency attached by ClinVar (database versions not stated): TOPMed below 0.00001; gnomAD 0.00001.
gnomAD v4.1: 3 of 1,397,284 alleles (0.00021%); highest among the groups gnomAD compares: South Asian, 0.0016%; no homozygotes.

Submissions (2):

Labcorp Genetics (formerly Invitae), Labcorp
Classification: Uncertain significance for Noonan syndrome. Last evaluated: 2025-02-10. Review status: criteria provided, single submitter. Criteria: Invitae Variant Classification Sherloc (09022015). Collection method: clinical testing. Allele origin: germline.
Comment: This sequence change replaces glycine, which is neutral and non-polar, with alanine, which is neutral and non-polar, at codon 4 of the RRAS protein (p.Gly4Ala). This variant is present in population databases (no rsID available, gnomAD 0.01%). This variant has not been reported in the literature in individuals affected with RRAS-related conditions. ClinVar contains an entry for this variant (Variation ID: 841889). An algorithm developed to predict the effect of missense changes on protein structure and function (PolyPhen-2) suggests that this variant is likely to be disruptive. In summary, the available evidence is currently insufficient to determine the role of this variant in disease. Therefore, it has been classified as a Variant of Uncertain Significance.

Ambry Genetics
Classification: Uncertain significance. Last evaluated: 2021-08-09. Review status: criteria provided, single submitter. Criteria: Ambry Variant Classification Scheme 2023. Collection method: clinical testing. Allele origin: germline.